The following is an entry in ClinVar:

NM_080425.4(GNAS):c.893G>A (p.Ser298Asn)

Gene: GNAS (GNAS complex locus; plus strand). Cytogenetic location: 20q13.32.
Variant type: single nucleotide variant.
Coding change: c.893G>A on transcript NM_080425.4 (MANE Plus Clinical); coding-DNA position 893, G replaced by A.
Protein change: p.Ser298Asn; replaces serine 298 with asparagine.
Molecular consequence: missense variant. On other transcripts: intron variant (3).
Genome position (GRCh38, 1-based): chr20:58,854,158, G>A. VCF-style: chr20-58854158-G-A. GRCh37 (hg19) VCF-style: chr20-57429213-G-A.
Other names: c.706G>A, p.Ala236Thr (NM_001077490.3, NM_001309883.1); c.893G>A, p.Ser298Asn (NM_001410913.1); c.*42+13272G>A (NM_016592.5); c.43+13272G>A (NM_001410912.1); c.-39+12283G>A (NM_001309861.2); short protein forms A236T, S298N.
Identifiers: ClinVar variation 4986156 (VCV004986156.1).

ClinVar aggregate classification (germline): Uncertain significance (1 of 4 stars; one submission).

Conditions:
GNAS-related disorder. Identifiers: MedGen CN380105.

Submission:

PreventionGenetics, part of Exact Sciences
Classification: Uncertain significance for GNAS-related condition. Last evaluated: 2025-09-15. Review status: criteria provided, single submitter. Criteria: ACMG Guidelines, 2015. Collection method: clinical testing. Allele origin: germline.
Comment: The GNAS c.893G>A variant is predicted to result in the amino acid substitution p.Ser298Asn. To our knowledge, this variant has not been reported in the literature or in a large population database (gnomAD), indicating this variant is rare. At this time, the clinical significance of this variant is uncertain due to the absence of conclusive functional and genetic evidence.